The following is an entry in ClinVar:

NC_000006.12:g.106539151_106629957del

Genes: QRSL1 (glutaminyl-tRNA amidotransferase subunit QRSL1; plus strand), RTN4IP1 (reticulon 4 interacting protein 1; minus strand), CRYBG1 (crystallin beta-gamma domain containing 1; plus strand), LOC129389600 (MPRA-validated peak6003 silencer; plus strand), LOC129996910 (ATAC-STARR-seq lymphoblastoid active region 24892; plus strand) and 2 more. Cytogenetic location: 6q21.
Variant type: Deletion.
Identifiers: ClinVar variation 916131 (VCV000916131.1).

ClinVar aggregate classification (germline): Uncertain significance (1 of 4 stars; one submission).

Conditions:
Macrocephaly. Also called: Macrocephalus; large head. Identifiers: MedGen C2243051, HP:0000256.
Global developmental delay (DD). Also called: Cognitive delay. Identifiers: MedGen C0557874, HP:0001263. Disease mechanism: loss of function.
Short stature. Identifiers: MedGen C0349588, HP:0004322.
Chorea. Also called: Choreatic disease; Choreiform movements. Identifiers: Orphanet 1429, MedGen C0008489, MONDO:0001595, HP:0002072.

Submission:

Broad Center for Mendelian Genomics, Broad Institute of MIT and Harvard
Classification: Uncertain significance for Chorea; Short stature; Macrocephaly; Global developmental delay. Last evaluated: 2020-05-13. Review status: criteria provided, single submitter. Criteria: ACMG Guidelines, 2015. Collection method: research. Allele origin: germline. Inheritance: Autosomal recessive inheritance. Affected: yes.
Comment: This variant was identified in the compound heterozygous state, along with a missense variant of uncertain significance. The break points of this deletion are located in the intronic regions of adjacent genes (5', QRSL; 3' CRYBG1). This variant has not been reported in the literature in any individuals with RTN4IP1-related disease. Loss of function of RTN4IP1 in an autosomal recessive disease has not yet been established based on the criteria laid out in Tayoun, 2018 (PMID: 30192042). In summary, while a whole gene deletion in a recessive gene is suspicious for a pathogenic role, the clinical significance of the chr6:106539151-106629957 deletion is uncertain. (0 points, Riggs 2020).